The following is an entry in ClinVar:

ClinVar aggregate classification (germline): Benign/Likely benign. Review status: criteria provided, multiple submitters, no conflicts (2 of 4 stars). 3 submissions from 3 submitters: Benign (1); Likely benign (1). 1 of the submissions does not count toward it. Last evaluated 2025-08-18.

Conditions:
DMXL1-related disorder. Also called: DMXL1-related condition.

Allele frequency attached by ClinVar (database versions not stated): ESP Exome Variant Server 0.00308; TOPMed 0.00316; gnomAD 0.00332 and 0.00390; 1000 Genomes Project 30x 0.00765; 1000 Genomes Project 0.00799; gnomAD exomes 0.00455 and 0.00629; ExAC 0.00657.

Submissions (3):

Genomic Medicine Center of Excellence, King Faisal Specialist Hospital and Research Centre
Classification: Likely benign. Last evaluated: 2025-08-18. Review status: criteria provided, single submitter. Criteria: ACMG Guidelines, 2015. Collection method: clinical testing. Allele origin: germline.

Labcorp Genetics (formerly Invitae), Labcorp
Classification: Benign. Last evaluated: 2017-07-27. Review status: criteria provided, single submitter. Criteria: Invitae Variant Classification Sherloc (09022015). Collection method: clinical testing. Allele origin: germline.

PreventionGenetics, part of Exact Sciences
Classification: Benign for DMXL1-related condition. Last evaluated: 2019-02-19. Review status: no assertion criteria provided. Collection method: clinical testing. Allele origin: germline. Not counted in ClinVar's aggregate classification.
Comment: This variant is classified as benign based on ACMG/AMP sequence variant interpretation guidelines (Richards et al. 2015 PMID: 25741868, with internal and published modifications).

NM_001290321.3(DMXL1):c.1396A>C (p.Ser466Arg)

Gene: DMXL1 (Dmx like 1; plus strand). Cytogenetic location: 5q23.1.
Variant type: single nucleotide variant.
Coding change: c.1396A>C on transcript NM_001290321.3 (MANE Select); coding-DNA position 1396, A replaced by C.
Protein change: p.Ser466Arg; replaces serine 466 with arginine.
Molecular consequence: missense variant. On other transcripts: non-coding transcript variant (3).
Genome position (GRCh38, 1-based): chr5:119,133,212, A>C. VCF-style: chr5-119133212-A-C. GRCh37 (hg19) VCF-style: chr5-118468907-A-C.
Other names: c.1396A>C (NM_001290321.2); c.1396A>C, p.Ser466Arg (NM_001349239.2, NM_001349240.2, NM_001387933.1 and 4 more transcripts); short protein forms S466R.
Identifiers: ClinVar variation 773462 (VCV000773462.6), dbSNP rs142000355, ClinGen allele CA3379455.
Genomic context (GRCh38, chr5:119,133,212, plus strand): 5'-GATCTGAAAATAAATCCCGAAAAGAAGGAATTAGGCTGTGATAAAATGGTACCAAACTCA[A>C]GTTTTACATCATTATCGTCAGCTGCCATTGATCATCAGATTGAAGTACTTCTGTCTGAAT-3'
Protein context (NP_001277250.1, residues 456-476): LGCDKMVPNS[Ser466Arg]FTSLSSAAID